The following is an entry in ClinVar:

NM_173500.4(TTBK2):c.1897T>C (p.Tyr633His)

Gene: TTBK2 (tau tubulin kinase 2; minus strand). Cytogenetic location: 15q15.2.
Variant type: single nucleotide variant.
Coding change: c.1897T>C on transcript NM_173500.4 (MANE Select); coding-DNA position 1897, T replaced by C.
Protein change: p.Tyr633His; replaces tyrosine 633 with histidine.
Molecular consequence: missense variant.
Genome position (GRCh38, 1-based): chr15:42,775,236, A>G on the plus strand (T>C on the coding strand, the complement: TTBK2 is on the minus strand). VCF-style: chr15-42775236-A-G. GRCh37 (hg19) VCF-style: chr15-43067434-A-G.
Other names: short protein forms Y633H.
Identifiers: ClinVar variation 374714 (VCV000374714.49), dbSNP rs370977106, ClinGen allele CA7516823.

ClinVar aggregate classification (germline): Conflicting classifications of pathogenicity. Review status: criteria provided, conflicting classifications (1 of 4 stars). 5 submissions from 5 submitters: Uncertain significance (4); Likely benign (1). Last evaluated 2025-06-06.

Conditions:
Inborn genetic diseases. Identifiers: MedGen C0950123, MeSH D030342.

Allele frequency attached by ClinVar (database versions not stated): ExAC 0.00003; gnomAD exomes 0.00006 and 0.00008; ESP Exome Variant Server 0.00008; TOPMed 0.00011; gnomAD 0.00012 and 0.00013.
gnomAD v4.1: 126 of 1,614,104 alleles (0.0078%); highest among the groups gnomAD compares: Non-Finnish European, 0.01%; no homozygotes.

Submissions (5):

Athena Diagnostics
Classification: Uncertain significance. Last evaluated: 2025-06-06. Review status: criteria provided, single submitter. Criteria: Athena Diagnostics Criteria. Collection method: clinical testing. Allele origin: unknown.
Comment: Available data are insufficient to determine the clinical significance of the variant at this time. The frequency of this variant in the general population is higher than would generally be expected for pathogenic variants in this gene. Polyphen and MutationTaster predict this amino acid change may be benign.

Blueprint Genetics
Classification: Likely benign. Last evaluated: 2024-11-27. Review status: criteria provided, single submitter. Criteria: ACMG Guidelines, 2015. Collection method: clinical testing. Allele origin: germline.

Labcorp Genetics (formerly Invitae), Labcorp
Classification: Uncertain significance. Last evaluated: 2024-10-22. Review status: criteria provided, single submitter. Criteria: Invitae Variant Classification Sherloc (09022015). Collection method: clinical testing. Allele origin: germline.
Comment: This sequence change replaces tyrosine, which is neutral and polar, with histidine, which is basic and polar, at codon 633 of the TTBK2 protein (p.Tyr633His). This variant is present in population databases (rs370977106, gnomAD 0.01%). This variant has not been reported in the literature in individuals affected with TTBK2-related conditions. ClinVar contains an entry for this variant (Variation ID: 374714). Invitae Evidence Modeling of protein sequence and biophysical properties (such as structural, functional, and spatial information, amino acid conservation, physicochemical variation, residue mobility, and thermodynamic stability) indicates that this missense variant is not expected to disrupt TTBK2 protein function with a negative predictive value of 80%. In summary, the available evidence is currently insufficient to determine the role of this variant in disease. Therefore, it has been classified as a Variant of Uncertain Significance.

Ambry Genetics
Classification: Uncertain significance for Inborn genetic diseases. Last evaluated: 2024-05-02. Review status: criteria provided, single submitter. Criteria: Ambry Variant Classification Scheme 2023. Collection method: clinical testing. Allele origin: germline.

CeGaT Center for Human Genetics Tuebingen
Classification: Uncertain significance. Last evaluated: 2016-07-01. Review status: criteria provided, single submitter. Criteria: CeGaT Center For Human Genetics Tuebingen Variant Classification Criteria Version 2. Collection method: clinical testing. Allele origin: germline. Affected: yes. Observed: 1 variant allele.